The following is an entry in ClinVar:

NM_002843.4(PTPRJ):c.2444-23TGTTT[5]

Gene: PTPRJ (protein tyrosine phosphatase receptor type J; plus strand). Cytogenetic location: 11p11.2.
Variant type: Microsatellite.
Coding change: c.2444-23TGTTT[5] on transcript NM_002843.4 (MANE Select); five copies in a row of the 5-base unit TGTTT starting at c.2444-23.
Molecular consequence: intron variant.
Genome position: GRCh38 VCF-style: chr11-48142895-A-ATGTTT. GRCh37 (hg19) VCF-style: chr11-48164447-A-ATGTTT.
Identifiers: ClinVar variation 4981330 (VCV004981330.1).

ClinVar aggregate classification (germline): Likely benign (1 of 4 stars; one submission).

Conditions:
PTPRJ-related disorder. Also called: PTPRJ-related condition.

Submission:

PreventionGenetics, part of Exact Sciences
Classification: Likely benign for PTPRJ-related condition. Last evaluated: 2024-12-26. Review status: criteria provided, single submitter. Criteria: ACMG Guidelines, 2015. Collection method: clinical testing. Allele origin: germline.
Comment: This variant is classified as likely benign based on ACMG/AMP sequence variant interpretation guidelines (Richards et al. 2015 PMID: 25741868, with internal and published modifications).